The following is an entry in ClinVar:

NM_015570.4(AUTS2):c.3561G>A (p.Pro1187=)

Gene: AUTS2 (activator of transcription and developmental regulator AUTS2; plus strand). Cytogenetic location: 7q11.22.
Variant type: single nucleotide variant.
Coding change: c.3561G>A on transcript NM_015570.4 (MANE Select); coding-DNA position 3561, G replaced by A.
Protein change: p.Pro1187=; no amino-acid change (proline 1187 retained).
Molecular consequence: synonymous variant.
Genome position (GRCh38, 1-based): chr7:70,790,777, G>A. VCF-style: chr7-70790777-G-A. GRCh37 (hg19) VCF-style: chr7-70255763-G-A.
Other names: c.3489G>A, p.Pro1163= (NM_001127231.3).
Identifiers: ClinVar variation 702585 (VCV000702585.33), dbSNP rs148333633, ClinGen allele CA4281374.

ClinVar aggregate classification (germline): Likely benign. Review status: criteria provided, multiple submitters, no conflicts (2 of 4 stars). 4 submissions from 4 submitters: Likely benign (3). 1 of the submissions does not count toward it. Last evaluated 2025-12-06.

Conditions:
AUTS2-related disorder. Also called: AUTS2-related condition.

Allele frequency attached by ClinVar (database versions not stated): TOPMed 0.00027; gnomAD 0.00016; ESP Exome Variant Server 0.00023.
gnomAD v4.1: 825 of 1,600,490 alleles (0.052%); highest among the groups gnomAD compares: Non-Finnish European, 0.067%; 1 homozygote.

Submissions (4):

Labcorp Genetics (formerly Invitae), Labcorp
Classification: Likely benign. Last evaluated: 2025-12-06. Review status: criteria provided, single submitter. Criteria: Invitae Variant Classification Sherloc (09022015). Collection method: clinical testing. Allele origin: germline.

CeGaT Center for Human Genetics Tuebingen
Classification: Likely benign. Last evaluated: 2025-04-01. Review status: criteria provided, single submitter. Criteria: CeGaT Center For Human Genetics Tuebingen Variant Classification Criteria Version 2. Collection method: clinical testing. Allele origin: germline. Affected: yes. Observed: 2 variant alleles.
Comment: AUTS2: BP4, BP7

Blueprint Genetics
Classification: Likely benign. Last evaluated: 2024-04-08. Review status: criteria provided, single submitter. Criteria: ACMG Guidelines, 2015. Collection method: clinical testing. Allele origin: germline.

PreventionGenetics, part of Exact Sciences
Classification: Likely benign for AUTS2-related condition. Last evaluated: 2024-01-17. Review status: no assertion criteria provided. Collection method: clinical testing. Allele origin: germline. Not counted in ClinVar's aggregate classification.
Comment: This variant is classified as likely benign based on ACMG/AMP sequence variant interpretation guidelines (Richards et al. 2015 PMID: 25741868, with internal and published modifications).